The following is an entry in ClinVar:

ClinVar aggregate classification (germline): Uncertain significance (1 of 4 stars; one submission).

Submission:

Women's Health and Genetics/Laboratory Corporation of America, LabCorp
Classification: Uncertain significance. Last evaluated: 2024-04-08. Review status: criteria provided, single submitter. Criteria: LabCorp Variant Classification Summary - May 2015. Collection method: clinical testing. Allele origin: germline.
Comment: Variant summary: CCDC50 c.566A>G (p.Glu189Gly) results in a non-conservative amino acid change in the encoded protein sequence. Four of five in-silico tools predict a benign effect of the variant on protein function. The variant was absent in 250546 control chromosomes. The available data on variant occurrences in the general population are insufficient to allow any conclusion about variant significance. To our knowledge, no occurrence of c.566A>G in individuals affected with Autosomal Dominant Nonsyndromic Hearing Loss 44 and no experimental evidence demonstrating its impact on protein function have been reported. No submitters have cited clinical-significance assessments for this variant to ClinVar. Based on the evidence outlined above, the variant was classified as uncertain significance.

NM_178335.3(CCDC50):c.566A>G (p.Glu189Gly)

Gene: CCDC50 (coiled-coil domain containing 50; plus strand). Cytogenetic location: 3q28.
Variant type: single nucleotide variant.
Coding change: c.566A>G on transcript NM_178335.3 (MANE Select); coding-DNA position 566, A replaced by G.
Protein change: p.Glu189Gly; replaces glutamic acid 189 with glycine.
Molecular consequence: missense variant. On other transcripts: intron variant (1).
Genome position (GRCh38, 1-based): chr3:191,375,179, A>G. VCF-style: chr3-191375179-A-G. GRCh37 (hg19) VCF-style: chr3-191092968-A-G.
Other names: c.449-4980A>G (NM_174908.4); short protein forms E189G.
Identifiers: ClinVar variation 3251432 (VCV003251432.1), dbSNP rs2474053200.